The following is an entry in ClinVar:

ClinVar aggregate classification (germline): Uncertain significance (1 of 4 stars; one submission).

Conditions:
IFT140-related disorder. Also called: IFT140-related condition.

Allele frequency attached by ClinVar (database versions not stated): gnomAD 0.00001.
gnomAD v4.1: 1 of 1,612,950 alleles (0.000062%); highest among the groups gnomAD compares: African/African-American, 0.0013%; no homozygotes.

Submission:

PreventionGenetics, part of Exact Sciences
Classification: Uncertain significance for IFT140-related condition. Last evaluated: 2022-12-30. Review status: criteria provided, single submitter. Criteria: ACMG Guidelines, 2015. Collection method: clinical testing. Allele origin: germline.
Comment: The IFT140 c.4171G>A variant is predicted to result in the amino acid substitution p.Glu1391Lys. To our knowledge, this variant has not been reported in the literature or in a large population database, indicating this variant is rare. At this time, the clinical significance of this variant is uncertain due to the absence of conclusive functional and genetic evidence.

NM_014714.4(IFT140):c.4171G>A (p.Glu1391Lys)

Gene: IFT140 (intraflagellar transport 140; minus strand). Cytogenetic location: 16p13.3.
Variant type: single nucleotide variant.
Coding change: c.4171G>A on transcript NM_014714.4 (MANE Select); coding-DNA position 4171, G replaced by A.
Protein change: p.Glu1391Lys; replaces glutamic acid 1391 with lysine.
Molecular consequence: missense variant.
Genome position (GRCh38, 1-based): chr16:1,518,227, C>T on the plus strand (G>A on the coding strand, the complement: IFT140 is on the minus strand). VCF-style: chr16-1518227-C-T. GRCh37 (hg19) VCF-style: chr16-1568228-C-T.
Other names: short protein forms E1391K.
Identifiers: ClinVar variation 2629901 (VCV002629901.1), dbSNP rs2040420105, ClinGen allele CA394223567.